The following is an entry in ClinVar:

ClinVar aggregate classification (germline): Uncertain significance (1 of 4 stars; one submission).

Conditions:
Neuroblastoma, susceptibility to, 3. Also called: ALK-Related Neuroblastic Tumor Susceptibility. Identifiers: Orphanet 635, MedGen C2751681, MONDO:0013083, OMIM 613014.

Submission:

Labcorp Genetics (formerly Invitae), Labcorp
Classification: Uncertain significance for Neuroblastoma, susceptibility to, 3. Last evaluated: 2017-05-22. Review status: criteria provided, single submitter. Criteria: Invitae Variant Classification Sherloc (09022015). Collection method: clinical testing. Allele origin: germline.
Comment: Algorithms developed to predict the effect of sequence changes on RNA splicing suggest that this variant may disrupt the consensus splice site, but this prediction has not been confirmed by published transcriptional studies. This variant has not been reported in the literature in individuals with a ALK-related disease. This variant is not present in population databases (ExAC no frequency). This sequence change affects a donor splice site in intron 26 of the ALK gene. It is expected to disrupt RNA splicing and likely results in an absent or disrupted protein product. The current clinical and genetic evidence is not sufficient to establish whether loss-of-function variants in ALK cause disease. In summary, this variant has uncertain impact on ALK function. The available evidence is currently insufficient to determine its role in disease. Therefore, it has been classified as a Variant of Uncertain Significance.

NM_004304.5(ALK):c.3938+1G>A

Gene: ALK (ALK receptor tyrosine kinase; minus strand). Cytogenetic location: 2p23.2.
Variant type: single nucleotide variant.
Coding change: c.3938+1G>A on transcript NM_004304.5 (MANE Select); the canonical splice donor site of the intron after coding-DNA position 3938, G replaced by A.
Molecular consequence: splice donor variant.
Genome position (GRCh38, 1-based): chr2:29,207,170, C>T on the plus strand (G>A on the coding strand, the complement: ALK is on the minus strand). VCF-style: chr2-29207170-C-T. GRCh37 (hg19) VCF-style: chr2-29430036-C-T.
Other names: c.734+1G>A (NM_001353765.2).
Identifiers: ClinVar variation 470856 (VCV000470856.7), dbSNP rs1553390736, ClinGen allele CA346468420.